The following is an entry in ClinVar:

ClinVar aggregate classification (germline): Uncertain significance (1 of 4 stars; one submission).

Conditions:
Cardiovascular phenotype. Identifiers: MedGen CN230736.

Allele frequency attached by ClinVar (database versions not stated): gnomAD 0.00001.
gnomAD v4.1: 1 of 1,613,710 alleles (0.000062%); highest among the groups gnomAD compares: African/African-American, 0.0013%; no homozygotes.

Submission:

Ambry Genetics
Classification: Uncertain significance for Cardiovascular phenotype. Last evaluated: 2017-12-07. Review status: criteria provided, single submitter. Criteria: Ambry Variant Classification Scheme 2023. Collection method: clinical testing. Allele origin: germline.
Comment: The p.E3807K variant (also known as c.11419G>A), located in coding exon 44 of the TTN gene, results from a G to A substitution at nucleotide position 11419. The glutamic acid at codon 3807 is replaced by lysine, an amino acid with similar properties. This amino acid position is poorly conserved in available vertebrate species. In addition, this alteration is predicted to be tolerated by in silico analysis. Since supporting evidence is limited at this time, the clinical significance of this alteration remains unclear.

NM_001267550.2(TTN):c.12508G>A (p.Glu4170Lys)

Gene: TTN (titin; minus strand). Cytogenetic location: 2q31.2.
Variant type: single nucleotide variant.
Coding change: c.12508G>A on transcript NM_001267550.2 (MANE Select); coding-DNA position 12508, G replaced by A.
Protein change: p.Glu4170Lys; replaces glutamic acid 4170 with lysine.
Molecular consequence: missense variant. On other transcripts: intron variant (1).
Genome position (GRCh38, 1-based): chr2:178,740,725, C>T on the plus strand (G>A on the coding strand, the complement: TTN is on the minus strand). VCF-style: chr2-178740725-C-T. GRCh37 (hg19) VCF-style: chr2-179605452-C-T.
Other names: c.11557G>A, p.Glu3853Lys (NM_001256850.1); c.11419G>A, p.Glu3807Lys (NM_003319.4); c.11794G>A, p.Glu3932Lys (NM_133432.3); c.11995G>A, p.Glu3999Lys (NM_133437.4); c.10361-2365G>A (NM_133378.4); short protein forms E3807K, E4170K, E3853K, E3932K, E3999K.
Identifiers: ClinVar variation 518757 (VCV000518757.5), dbSNP rs1343565501, ClinGen allele CA349614819.